The following is an entry in ClinVar:

NM_004646.4(NPHS1):c.2530del (p.Thr844fs)

Gene: NPHS1 (NPHS1 adhesion molecule, nephrin; minus strand). Cytogenetic location: 19q13.12.
Variant type: Deletion.
Coding change: c.2530del on transcript NM_004646.4 (MANE Select); coding-DNA position 2530, one base deleted (A; older notation c.2530delA).
Protein change: p.Thr844fs; shifts the reading frame from threonine 844.
Molecular consequence: frameshift variant.
Genome position (GRCh38, 1-based): chr19:35,842,257, T deleted on the plus strand (A on the coding strand, the reverse complement: NPHS1 is on the minus strand). VCF-style (leftmost placement, unchanged base first): chr19-35842256-GT-G. GRCh37 (hg19) VCF-style: chr19-36333158-GT-G.
Other names: short protein forms T844fs.
Identifiers: ClinVar variation 2765977 (VCV002765977.3), dbSNP rs2513769207, ClinGen allele CA2697556473.
Genomic context (GRCh38, chr19:35,842,256, plus strand): 5'-CGGCAGTGGAGGGTGGCAGAACTGGTGCTGTCTCCAGCTGCAGCCACCTTAGTTAGGGGA[GT>G]GGGGTGCTCCACCTGGGGGGCAACTGGGAGGGGATGGGCAGTCAACATGAGCTATGTGGG-3'

ClinVar aggregate classification (germline): Pathogenic (1 of 4 stars; one submission).

Submission:

Labcorp Genetics (formerly Invitae), Labcorp
Classification: Pathogenic. Last evaluated: 2023-06-04. Review status: criteria provided, single submitter. Criteria: Invitae Variant Classification Sherloc (09022015). Collection method: clinical testing. Allele origin: germline.
Comment: This sequence change creates a premature translational stop signal (p.Thr844Leufs*3) in the NPHS1 gene. It is expected to result in an absent or disrupted protein product. Loss-of-function variants in NPHS1 are known to be pathogenic (PMID: 11317351, 11854170, 12039988). This variant is not present in population databases (gnomAD no frequency). This variant has not been reported in the literature in individuals affected with NPHS1-related conditions. For these reasons, this variant has been classified as Pathogenic.

Literature cited by the submitters: PubMed 11317351; PubMed 11854170; PubMed 12039988.